The following is an entry in ClinVar:

NM_001243133.2(NLRP3):c.1946C>T (p.Pro649Leu)

Gene: NLRP3 (NLR family pyrin domain containing 3; plus strand). Cytogenetic location: 1q44.
Variant type: single nucleotide variant.
Coding change: c.1946C>T on transcript NM_001243133.2 (MANE Select); coding-DNA position 1946, C replaced by T.
Protein change: p.Pro649Leu; replaces proline 649 with leucine.
Molecular consequence: missense variant.
Genome position (GRCh38, 1-based): chr1:247,425,395, C>T. VCF-style: chr1-247425395-C-T. GRCh37 (hg19) VCF-style: chr1-247588697-C-T.
Other names: c.1946C>T, p.Pro649Leu (NM_001079821.3, NM_001127461.3, NM_001127462.3 and 1 more transcripts); c.1952C>T, p.Pro651Leu (NM_004895.5); short protein forms P651L, P649L.
Identifiers: ClinVar variation 1496984 (VCV001496984.20), dbSNP rs1662796733, ClinGen allele CA345558272.
Genomic context (GRCh38, chr1:247,425,395, plus strand): 5'-TCTACTGTTTGTACGAGATGCAGGAGGAGGACTTCGTGCAAAGGGCCATGGACTATTTCC[C>T]CAAGATTGAGATCAATCTCTCCACCAGAATGGACCACATGGTTTCTTCCTTTTGCATTGA-3'
Protein context (NP_001230062.1, residues 639-659): DFVQRAMDYF[Pro649Leu]KIEINLSTRM

ClinVar aggregate classification (germline): Uncertain significance. Review status: criteria provided, multiple submitters, no conflicts (2 of 4 stars). 2 submissions from 2 submitters: Uncertain significance (2). Last evaluated 2024-12-01.

Conditions:
Cryopyrin associated periodic syndrome (CAPS). Identifiers: Orphanet 208650, MedGen C2316212, MONDO:0016168.

gnomAD v4.1: 3 of 1,614,182 alleles (0.00019%); highest among the groups gnomAD compares: South Asian, 0.0022%; no homozygotes.

Submissions (2):

CeGaT Center for Human Genetics Tuebingen
Classification: Uncertain significance. Last evaluated: 2024-12-01. Review status: criteria provided, single submitter. Criteria: CeGaT Center For Human Genetics Tuebingen Variant Classification Criteria Version 2. Collection method: clinical testing. Allele origin: germline. Affected: yes. Observed: 1 variant allele.
Comment: NLRP3: PM2

Labcorp Genetics (formerly Invitae), Labcorp
Classification: Uncertain significance for Cryopyrin associated periodic syndrome. Last evaluated: 2024-10-15. Review status: criteria provided, single submitter. Criteria: Invitae Variant Classification Sherloc (09022015). Collection method: clinical testing. Allele origin: germline.
Comment: This sequence change replaces proline, which is neutral and non-polar, with leucine, which is neutral and non-polar, at codon 651 of the NLRP3 protein (p.Pro651Leu). This variant is not present in population databases (gnomAD no frequency). This variant has not been reported in the literature in individuals affected with NLRP3-related conditions. ClinVar contains an entry for this variant (Variation ID: 1496984). Invitae Evidence Modeling of protein sequence and biophysical properties (such as structural, functional, and spatial information, amino acid conservation, physicochemical variation, residue mobility, and thermodynamic stability) has been performed for this missense variant. However, the output from this modeling did not meet the statistical confidence thresholds required to predict the impact of this variant on NLRP3 protein function. In summary, the available evidence is currently insufficient to determine the role of this variant in disease. Therefore, it has been classified as a Variant of Uncertain Significance.